The following is an entry in ClinVar:

ClinVar aggregate classification (germline): Pathogenic (1 of 4 stars; one submission).

Conditions:
Developmental and epileptic encephalopathy, 12 (DEE12). Identifiers: MedGen C3150988, MONDO:0013389, OMIM 613722.

Submission:

Labcorp Genetics (formerly Invitae), Labcorp
Classification: Pathogenic for Developmental and epileptic encephalopathy, 12. Last evaluated: 2022-04-18. Review status: criteria provided, single submitter. Criteria: Invitae Variant Classification Sherloc (09022015). Collection method: clinical testing. Allele origin: germline.
Comment: Algorithms developed to predict the effect of sequence changes on RNA splicing suggest that this variant may disrupt the consensus splice site. For these reasons, this variant has been classified as Pathogenic. This variant has not been reported in the literature in individuals affected with PNKP-related conditions. The frequency data for this variant in the population databases is considered unreliable, as metrics indicate poor data quality at this position in the gnomAD database. This sequence change creates a premature translational stop signal (p.Ala376Profs*19) in the PNKP gene. It is expected to result in an absent or disrupted protein product. Loss-of-function variants in PNKP are known to be pathogenic (PMID: 20118933, 25728773).

Literature cited by the submitters: PubMed 20118933; PubMed 25728773.

NM_007254.4(PNKP):c.1126+1del

Gene: PNKP (polynucleotide kinase 3'-phosphatase; minus strand). Cytogenetic location: 19q13.33.
Variant type: Deletion.
Coding change: c.1126+1del on transcript NM_007254.4 (MANE Select); the canonical splice donor site of the intron after coding-DNA position 1126, one base deleted (G; older notation c.1126+1delG).
Molecular consequence: splice donor variant.
Genome position (GRCh38, 1-based): chr19:49,862,184, C deleted on the plus strand (G on the coding strand, the reverse complement: PNKP is on the minus strand); the first of 5 consecutive C bases (chr19:49,862,184-49,862,188); deleting any one gives the same sequence. VCF-style (leftmost placement, unchanged base first): chr19-49862183-AC-A. GRCh37 (hg19) VCF-style: chr19-50365440-AC-A.
Identifiers: ClinVar variation 2127832 (VCV002127832.4), dbSNP rs1183620642, ClinGen allele CA633895287.
Genomic context (GRCh38, chr19:49,862,183, plus strand): 5'-TCGGTGGGTGGCCTAGGACCCAGGCGGGGCTCAGGGCACGCGCACAGGAACAGGACACTT[AC>A]CCCCAGGGAATCCCACTGCGACAACCACCTCCGGGCTGGCGCTCAGGAGGGCCCTGGACT-3'